The following is an entry in ClinVar:

NM_001572.5(IRF7):c.1119G>T (p.Lys373Asn)

Gene: IRF7 (interferon regulatory factor 7; minus strand). Cytogenetic location: 11p15.5.
Variant type: single nucleotide variant.
Coding change: c.1119G>T on transcript NM_001572.5 (MANE Select); coding-DNA position 1119, G replaced by T.
Protein change: p.Lys373Asn; replaces lysine 373 with asparagine.
Molecular consequence: missense variant.
Genome position (GRCh38, 1-based): chr11:613,324, C>A on the plus strand (G>T on the coding strand, the complement: IRF7 is on the minus strand). VCF-style: chr11-613324-C-A. GRCh37 (hg19) VCF-style: chr11-613324-C-A.
Other names: c.1155G>T, p.Lys385Asn (NM_001440440.1); c.1116G>T, p.Lys372Asn (NM_001440442.1); c.1071G>T, p.Lys357Asn (NM_001440444.1); c.1029G>T, p.Lys343Asn (NM_001440445.1); c.747G>T, p.Lys249Asn (NM_001440446.1); c.1032G>T, p.Lys344Asn (NM_004029.4); c.1158G>T, p.Lys386Asn (NM_004031.4); short protein forms K249N, K344N, K385N, K343N, K386N, K357N, K372N, K373N.
Identifiers: ClinVar variation 4768454 (VCV004768454.1).
Genomic context (GRCh38, chr11:613,324, plus strand): 5'-GGCTGGGGTGGAGGGGCTGGCGGAGCCTGGGGGTCCGCCCACCTCCCAGTACACCTTGCA[C>A]TTGCCCATGCGCCGGGCCCACAGCTGTGGCCCCCGAAGCTCCAGGTGCAACCCAGGGGCC-3'
Protein context (NP_001563.2, residues 363-383): GPQLWARRMG[Lys373Asn]CKVYWEVGGP

ClinVar aggregate classification (germline): Uncertain significance (1 of 4 stars; one submission).

Conditions:
Immunodeficiency 39 (IMD39). Identifiers: Orphanet 574918, MedGen C4225358, MONDO:0014597, OMIM 616345.

Submission:

Labcorp Genetics (formerly Invitae), Labcorp
Classification: Uncertain significance for Immunodeficiency 39. Last evaluated: 2025-06-29. Review status: criteria provided, single submitter. Criteria: Invitae Variant Classification Sherloc (09022015). Collection method: clinical testing. Allele origin: germline.
Comment: This sequence change replaces lysine, which is basic and polar, with asparagine, which is neutral and polar, at codon 386 of the IRF7 protein (p.Lys386Asn). This variant is present in population databases (no rsID available, gnomAD 0.005%). This variant has not been reported in the literature in individuals affected with IRF7-related conditions. Invitae Evidence Modeling of protein sequence and biophysical properties (such as structural, functional, and spatial information, amino acid conservation, physicochemical variation, residue mobility, and thermodynamic stability) has been performed for this missense variant. However, the output from this modeling did not meet the statistical confidence thresholds required to predict the impact of this variant on IRF7 protein function. In summary, the available evidence is currently insufficient to determine the role of this variant in disease. Therefore, it has been classified as a Variant of Uncertain Significance.